The following is an entry in ClinVar:

NM_000535.7(PMS2):c.2446-10T>G

Gene: PMS2 (PMS1 homolog 2, mismatch repair system component; minus strand). Cytogenetic location: 7p22.1.
Variant type: single nucleotide variant.
Coding change: c.2446-10T>G on transcript NM_000535.7 (MANE Select); 10 bases into the intron before coding-DNA position 2446, T replaced by G.
Molecular consequence: intron variant.
Genome position (GRCh38, 1-based): chr7:5,973,552, A>C on the plus strand (T>G on the coding strand, the complement: PMS2 is on the minus strand). VCF-style: chr7-5973552-A-C. GRCh37 (hg19) VCF-style: chr7-6013183-A-C.
Other names: c.2074-10T>G (NM_001322009.2); c.2041-10T>G (NM_001322005.2, NM_001322004.2, NM_001322003.2); c.2128-10T>G (NM_001322008.2, NM_001322007.2); c.1885-10T>G (NM_001322010.2); c.1873-10T>G (NM_001322013.2); c.1513-10T>G (NM_001322012.2, NM_001322011.2); c.2137-10T>G (NM_001322015.2); c.2290-10T>G (NM_001322006.2); and 1 more.
Identifiers: ClinVar variation 2036952 (VCV002036952.3), dbSNP rs2128659484, ClinGen allele CA2580076778.

ClinVar aggregate classification (germline): Conflicting classifications of pathogenicity. Review status: criteria provided, conflicting classifications (1 of 4 stars). 2 submissions from 2 submitters: Uncertain significance (1); Likely benign (1). Last evaluated 2024-01-04.

Conditions:
Hereditary nonpolyposis colorectal neoplasms. Identifiers: MedGen C0009405, MeSH D003123.
Hereditary cancer-predisposing syndrome. Also called: Neoplastic Syndromes, Hereditary; Hereditary Cancer Syndrome; Tumor predisposition; Hereditary neoplastic syndrome. Identifiers: Orphanet 140162, MedGen C0027672, MeSH D009386, MONDO:0015356.

Submissions (2):

Color Diagnostics, LLC DBA Color Health
Classification: Likely benign for Hereditary cancer-predisposing syndrome. Last evaluated: 2024-01-04. Review status: criteria provided, single submitter. Criteria: ACMG Guidelines, 2015. Collection method: clinical testing. Allele origin: germline.

Labcorp Genetics (formerly Invitae), Labcorp
Classification: Uncertain significance for Hereditary nonpolyposis colorectal neoplasms. Last evaluated: 2022-10-27. Review status: criteria provided, single submitter. Criteria: Invitae Variant Classification Sherloc (09022015). Collection method: clinical testing. Allele origin: germline.
Comment: This sequence change falls in intron 14 of the PMS2 gene. It does not directly change the encoded amino acid sequence of the PMS2 protein. The frequency data for this variant in the population databases (gnomAD) is considered unreliable due to the presence of homologous sequence, such as pseudogenes or paralogs, in the genome. This variant has not been reported in the literature in individuals affected with PMS2-related conditions. Algorithms developed to predict the effect of sequence changes on RNA splicing suggest that this variant may create or strengthen a splice site. In summary, the available evidence is currently insufficient to determine the role of this variant in disease. Therefore, it has been classified as a Variant of Uncertain Significance.